The following is an entry in ClinVar:

NM_000435.3(NOTCH3):c.277T>C (p.Cys93Arg)

Gene: NOTCH3 (notch receptor 3; minus strand). Cytogenetic location: 19p13.12.
Variant type: single nucleotide variant.
Coding change: c.277T>C on transcript NM_000435.3 (MANE Select); coding-DNA position 277, T replaced by C.
Protein change: p.Cys93Arg; replaces cysteine 93 with arginine.
Molecular consequence: missense variant.
Genome position (GRCh38, 1-based): chr19:15,192,440, A>G on the plus strand (T>C on the coding strand, the complement: NOTCH3 is on the minus strand). VCF-style: chr19-15192440-A-G. GRCh37 (hg19) VCF-style: chr19-15303251-A-G.
Other names: short protein forms C93R.
Identifiers: ClinVar variation 3636209 (VCV003636209.2).
Genomic context (GRCh38, chr19:15,192,440, plus strand): 5'-GGAAGCCACGGGGGCACCGGCATGAGAATCGGGCGGTGCCAGCCACCACTGAACTCTGGC[A>G]GACACCACGGCCAGCACAGGGGCCTGAGTGACAGGGGTCCTCCAGCTGACACCGCTCACC-3'
Protein context (NP_000426.2, residues 83-103): HSGPCAGRGV[Cys93Arg]QSSVVAGTAR

ClinVar aggregate classification (germline): Uncertain significance (1 of 4 stars; one submission).

Submission:

Labcorp Genetics (formerly Invitae), Labcorp
Classification: Uncertain significance. Last evaluated: 2024-05-04. Review status: criteria provided, single submitter. Criteria: Invitae Variant Classification Sherloc (09022015). Collection method: clinical testing. Allele origin: germline.
Comment: This sequence change replaces cysteine, which is neutral and slightly polar, with arginine, which is basic and polar, at codon 93 of the NOTCH3 protein (p.Cys93Arg). This variant is not present in population databases (gnomAD no frequency). This missense change has been observed in individual(s) with NOTCH3-related conditions (Invitae). Advanced modeling of protein sequence and biophysical properties (such as structural, functional, and spatial information, amino acid conservation, physicochemical variation, residue mobility, and thermodynamic stability) performed at Invitae indicates that this missense variant is expected to disrupt NOTCH3 protein function with a positive predictive value of 95%. This variant disrupts the p.Cys93 amino acid residue in NOTCH3. Other variant(s) that disrupt this residue have been observed in individuals with NOTCH3-related conditions (PMID: 10854111; Invitae), which suggests that this may be a clinically significant amino acid residue. In summary, the available evidence is currently insufficient to determine the role of this variant in disease. Therefore, it has been classified as a Variant of Uncertain Significance.

Literature cited by the submitters: PubMed 10854111.